The following is an entry in ClinVar:

NM_013386.5(SLC25A24):c.812_822+1del

Gene: SLC25A24 (solute carrier family 25 member 24; minus strand). Cytogenetic location: 1p13.3.
Variant type: Deletion.
Coding change: c.812_822+1del on transcript NM_013386.5 (MANE Select); coding-DNA position 812 through the canonical splice donor site of the intron after coding-DNA position 822, 12 bases deleted (CATATGAACAGG).
Molecular consequence: splice donor variant.
Genome position (GRCh38, 1-based): chr1:108,154,982-108,154,993, CCTGTTCATATG deleted on the plus strand (CATATGAACAGG on the coding strand, the reverse complement: SLC25A24 is on the minus strand); deleting any 12 consecutive bases within chr1:108,154,982-108,154,995 gives the same sequence; the c. name uses the placement nearest the transcript's 3' end. VCF-style (leftmost placement, unchanged base first): chr1-108154981-ACCTGTTCATATG-A. GRCh37 (hg19) VCF-style: chr1-108697603-ACCTGTTCATATG-A.
Other names: c.755_765+1del (NM_213651.3).
Identifiers: ClinVar variation 1032578 (VCV001032578.1), dbSNP rs1679855807, ClinGen allele CA1187614060.

ClinVar aggregate classification (germline): Uncertain significance (1 of 4 stars; one submission).

Conditions:
Fontaine progeroid syndrome. Also called: SLC25A24 Fontaine Progeroid Syndrome; Progeroid syndrome congenital Petty type; Petty Laxova Wiedemann syndrome; CRANIOFACIAL DYSOSTOSIS, HYPERTRICHOSIS, HYPOPLASIA OF LABIA MAJORA, DENTAL AND EYE ANOMALIES, PATENT DUCTUS ARTERIOSUS, AND NORMAL INTELLIGENCE; Craniofacial dysostosis, patent ductus arteriosus, hypertrichosis, hypoplasia of labia majora, dental and eye anomalies; GCM syndrome. Identifiers: Orphanet 2095, MedGen C2676780, MONDO:0012853, OMIM 612289.

Submission:

Baylor Genetics
Classification: Uncertain significance for Fontaine progeroid syndrome. Last evaluated: 2018-04-26. Review status: criteria provided, single submitter. Criteria: ACMG Guidelines, 2015. Collection method: clinical testing. Allele origin: paternal. Affected: yes.
Comment: This variant was determined to be of uncertain significance according to ACMG Guidelines, 2015 [PMID:25741868].